The following is an entry in ClinVar:

ClinVar aggregate classification (germline): Likely pathogenic (1 of 4 stars; one submission).

Conditions:
Dilated cardiomyopathy 1G (CMD1G). Identifiers: Orphanet 154, MedGen C1858763, MONDO:0011400, OMIM 604145.
Autosomal recessive limb-girdle muscular dystrophy type 2J (LGMDR10). Also called: Limb-girdle muscular dystrophy, type 2J; MUSCULAR DYSTROPHY, LIMB-GIRDLE, AUTOSOMAL RECESSIVE 10. Identifiers: Orphanet 140922, MedGen C1837342, MONDO:0012127, OMIM 608807.

Submission:

Labcorp Genetics (formerly Invitae), Labcorp
Classification: Likely pathogenic for Dilated cardiomyopathy 1G; Autosomal recessive limb-girdle muscular dystrophy type 2J. Last evaluated: 2019-06-29. Review status: criteria provided, single submitter. Criteria: Invitae Variant Classification Sherloc (09022015). Collection method: clinical testing. Allele origin: germline.
Comment: This sequence change results in a premature translational stop signal in the TTN gene (p.Ala28891Hisfs*5). While this is not anticipated to result in nonsense mediated decay, it is expected to create a truncated TTN protein. This variant is not present in population databases (ExAC no frequency). This variant has not been reported in the literature in individuals with TTN-related conditions. This variant is located in the A band of TTN (PMID: 25589632). Truncating variants in this region are significantly overrepresented in patients affected with dilated cardiomyopathy (PMID: 25589632). Truncating variants in this region have also been reported in individuals affected with autosomal recessive centronuclear myopathy (PMID: 23975875). In summary, the currently available evidence indicates that the variant is pathogenic, but additional data are needed to prove that conclusively. Therefore, this variant has been classified as Likely Pathogenic.

Literature cited by the submitters: PubMed 25589632; PubMed 23975875.

NM_001267550.2(TTN):c.86670del (p.Ala28891fs)

Genes: TTN-AS1 (TTN antisense RNA 1; plus strand), TTN (titin; minus strand). Cytogenetic location: 2q31.2.
Variant type: Deletion.
Coding change: c.86670del on transcript NM_001267550.2 (MANE Select); coding-DNA position 86670, one base deleted (A; older notation c.86670delA).
Protein change: p.Ala28891fs; shifts the reading frame from alanine 28891.
Molecular consequence: frameshift variant.
Genome position (GRCh38, 1-based): chr2:178,559,462, T deleted on the plus strand (A on the coding strand, the reverse complement: TTN is on the minus strand); the first of 3 consecutive T bases (chr2:178,559,462-178,559,464); deleting any one gives the same sequence. VCF-style (leftmost placement, unchanged base first): chr2-178559461-CT-C. GRCh37 (hg19) VCF-style: chr2-179424188-CT-C.
Other names: c.81747del, p.Ala27250fs (NM_001256850.1); c.59475del, p.Ala19826fs (NM_003319.4); c.78966del, p.Ala26323fs (NM_133378.4); c.59850del, p.Ala19951fs (NM_133432.3); c.60051del, p.Ala20018fs (NM_133437.4); short protein forms A20018fs, A27250fs, A19951fs, A26323fs, A19826fs, A28891fs.
Identifiers: ClinVar variation 937611 (VCV000937611.10), dbSNP rs1702795017, ClinGen allele CA1139657418.